The following is an entry in ClinVar:

ClinVar aggregate classification (germline): Uncertain significance (1 of 4 stars; one submission).

Submission:

Labcorp Genetics (formerly Invitae), Labcorp
Classification: Uncertain significance. Last evaluated: 2020-02-15. Review status: criteria provided, single submitter. Criteria: Invitae Variant Classification Sherloc (09022015). Collection method: clinical testing. Allele origin: germline.
Comment: This variant is not present in population databases (ExAC no frequency). This sequence change results in a premature translational stop signal in the CTR9 gene (p.Arg1077*). While this is not anticipated to result in nonsense mediated decay, it is expected to disrupt the last 97 amino acids of the CTR9 protein. Experimental studies and prediction algorithms are not available or were not evaluated, and the functional significance of this variant is currently unknown. In summary, the available evidence is currently insufficient to determine the role of this variant in disease. Therefore, it has been classified as a Variant of Uncertain Significance. This variant has not been reported in the literature in individuals with CTR9-related conditions.

NM_014633.5(CTR9):c.3229C>T (p.Arg1077Ter)

Gene: CTR9 (CTR9 component of Paf1/RNA polymerase II complex; plus strand). Cytogenetic location: 11p15.4.
Variant type: single nucleotide variant.
Coding change: c.3229C>T on transcript NM_014633.5 (MANE Select); coding-DNA position 3229, C replaced by T.
Protein change: p.Arg1077Ter; replaces arginine 1077 with a stop codon.
Molecular consequence: nonsense.
Genome position (GRCh38, 1-based): chr11:10,778,812, C>T. VCF-style: chr11-10778812-C-T. GRCh37 (hg19) VCF-style: chr11-10800359-C-T.
Other names: c.3157C>T, p.Arg1053Ter (NM_001346279.2); short protein forms R1053*, R1077*.
Identifiers: ClinVar variation 1003029 (VCV001003029.7), dbSNP rs1863283255, ClinGen allele CA379679328.